The following is an entry in ClinVar:

NM_031935.3(HMCN1):c.2095A>G (p.Ile699Val)

Gene: HMCN1 (hemicentin 1; plus strand). Cytogenetic location: 1q31.1.
Variant type: single nucleotide variant.
Coding change: c.2095A>G on transcript NM_031935.3 (MANE Select); coding-DNA position 2095, A replaced by G.
Protein change: p.Ile699Val; replaces isoleucine 699 with valine.
Molecular consequence: missense variant.
Genome position (GRCh38, 1-based): chr1:185,963,892, A>G. VCF-style: chr1-185963892-A-G. GRCh37 (hg19) VCF-style: chr1-185933024-A-G.
Other names: c.2095A>G (NM_031935.2); short protein forms I699V.
Identifiers: ClinVar variation 2417981 (VCV002417981.7), dbSNP rs777374189, ClinGen allele CA1291276.

ClinVar aggregate classification (germline): Uncertain significance. Review status: criteria provided, multiple submitters, no conflicts (2 of 4 stars). 2 submissions from 2 submitters: Uncertain significance (2). Last evaluated 2025-09-02.

Allele frequency attached by ClinVar (database versions not stated): ExAC 0.00001; gnomAD 0.00001; TOPMed 0.00003.
gnomAD v4.1: 7 of 1,611,112 alleles (0.00043%); highest among the groups gnomAD compares: Admixed American, 0.005%; no homozygotes.

Submissions (2):

Labcorp Genetics (formerly Invitae), Labcorp
Classification: Uncertain significance. Last evaluated: 2025-09-02. Review status: criteria provided, single submitter. Criteria: Invitae Variant Classification Sherloc (09022015). Collection method: clinical testing. Allele origin: germline.
Comment: This sequence change replaces isoleucine, which is neutral and non-polar, with valine, which is neutral and non-polar, at codon 699 of the HMCN1 protein (p.Ile699Val). This variant is present in population databases (rs777374189, gnomAD 0.006%). This variant has not been reported in the literature in individuals affected with HMCN1-related conditions. ClinVar contains an entry for this variant (Variation ID: 2417981). An algorithm developed to predict the effect of missense changes on protein structure and function outputs the following: PolyPhen-2: "Benign". The valine amino acid residue is found in multiple mammalian species, which suggests that this missense change does not adversely affect protein function. In summary, the available evidence is currently insufficient to determine the role of this variant in disease. Therefore, it has been classified as a Variant of Uncertain Significance.

Ambry Genetics
Classification: Uncertain significance. Last evaluated: 2025-08-21. Review status: criteria provided, single submitter. Criteria: Ambry Variant Classification Scheme 2023. Collection method: clinical testing. Allele origin: germline.